The following is an entry in ClinVar:

ClinVar aggregate classification (germline): Uncertain significance (1 of 4 stars; one submission).

Conditions:
Fanconi anemia complementation group O. Also called: RAD51C-Related Fanconi Anemia. Identifiers: Orphanet 84, MedGen C3150653, MONDO:0013248, OMIM 613390.

Submission:

Labcorp Genetics (formerly Invitae), Labcorp
Classification: Uncertain significance for Fanconi anemia complementation group O. Last evaluated: 2022-10-16. Review status: criteria provided, single submitter. Criteria: Invitae Variant Classification Sherloc (09022015). Collection method: clinical testing. Allele origin: germline.
Comment: In summary, the available evidence is currently insufficient to determine the role of this variant in disease. Therefore, it has been classified as a Variant of Uncertain Significance. Experimental studies and prediction algorithms are not available or were not evaluated, and the functional significance of this variant is currently unknown. This variant has not been reported in the literature in individuals affected with RAD51C-related conditions. This variant results in a copy number gain of the genomic region encompassing exon(s) 5 of the RAD51C gene. While the exact position of this variant cannot be determined from the data, sub-genic copy number gains are generally in tandem (PMID: 25640679). This variant is predicted to be in-frame, and likely preserves the integrity of the reading frame.

Literature cited by the submitters: PubMed 25640679.

NC_000017.10:g.(?_56787210)_(56787361_?)dup

Gene: RAD51C (RAD51 paralog C; plus strand). Cytogenetic location: 17q22.
Variant type: Duplication.
Identifiers: ClinVar variation 1448433 (VCV001448433.5).